The following is an entry in ClinVar:

NM_025179.4(PLXNA2):c.4680C>T (p.Ile1560=)

Gene: PLXNA2 (plexin A2; minus strand). Cytogenetic location: 1q32.2.
Variant type: single nucleotide variant.
Coding change: c.4680C>T on transcript NM_025179.4 (MANE Select); coding-DNA position 4680, C replaced by T.
Protein change: p.Ile1560=; no amino-acid change (isoleucine 1560 retained).
Molecular consequence: synonymous variant.
Genome position (GRCh38, 1-based): chr1:208,038,455, G>A on the plus strand (C>T on the coding strand, the complement: PLXNA2 is on the minus strand). VCF-style: chr1-208038455-G-A. GRCh37 (hg19) VCF-style: chr1-208211800-G-A.
Other names: c.4680C>T (NM_025179.3).
Identifiers: ClinVar variation 1559439 (VCV001559439.10), dbSNP rs1032473810, ClinGen allele CA36693891.
Genomic context (GRCh38, chr1:208,038,455, plus strand): 5'-CCGCTTCCAGTCACCCTCAATCTTGGTGGTGATGTCCTCATCTTGCAGCACGACCCGGGC[G>A]ATCCGGCCTTGGCGCCACTCTGGGTGGAGGGGGTGGTGCAGGGAGCGGCGTGAGAGGGAT-3'
Protein context (NP_079455.3, residues 1550-1570): DMDLEWRQGR[Ile1560=]ARVVLQDEDI

ClinVar aggregate classification (germline): Likely benign. Review status: criteria provided, single submitter (1 of 4 stars). 2 submissions from 2 submitters: Likely benign (1). 1 of the submissions does not count toward it. Last evaluated 2022-09-27.

Conditions:
PLXNA2-related disorder. Also called: PLXNA2-related condition.

Allele frequency attached by ClinVar (database versions not stated): TOPMed below 0.00001; gnomAD exomes 0.00001.
gnomAD v4.1: 16 of 1,614,108 alleles (0.00099%); highest among the groups gnomAD compares: Middle Eastern, 0.033%; no homozygotes.

Submissions (2):

Labcorp Genetics (formerly Invitae), Labcorp
Classification: Likely benign. Last evaluated: 2022-09-27. Review status: criteria provided, single submitter. Criteria: Invitae Variant Classification Sherloc (09022015). Collection method: clinical testing. Allele origin: germline.

PreventionGenetics, part of Exact Sciences
Classification: Likely benign for PLXNA2-related condition. Last evaluated: 2022-04-14. Review status: no assertion criteria provided. Collection method: clinical testing. Allele origin: germline. Not counted in ClinVar's aggregate classification.
Comment: This variant is classified as likely benign based on ACMG/AMP sequence variant interpretation guidelines (Richards et al. 2015 PMID: 25741868, with internal and published modifications).